The following is an entry in ClinVar:

ClinVar aggregate classification (germline): Pathogenic (1 of 4 stars; one submission).

Conditions:
Liddle syndrome 1 (LIDLS1). Also called: PSEUDOALDOSTERONISM. Identifiers: Orphanet 526, MedGen CN031472, MONDO:0020607, OMIM 177200.

Submission:

Women's Health and Genetics/Laboratory Corporation of America, LabCorp
Classification: Pathogenic for Liddle syndrome 1. Last evaluated: 2022-08-23. Review status: criteria provided, single submitter. Criteria: LabCorp Variant Classification Summary - May 2015. Collection method: clinical testing. Allele origin: germline.
Comment: Variant summary: SCNN1B c.1850C>T (p.Pro617Leu) results in a non-conservative amino acid change in the encoded protein sequence. Five of five in-silico tools predict a damaging effect of the variant on protein function. The variant was absent in 246504 control chromosomes (gnomAD). c.1850C>T has been reported in the literature in multiple individuals from 3 unrelated families of Southern Italian origin affected with Liddle Syndrome (Rossi_2008, Rossi_2011, Caretto_2014). These data indicate that the variant is very likely to be associated with disease. When mutant SCNN1B with the variant was expressed in Xenopus oocytes, a gain-of-function effect was seen with three-fold increase in amiloride-sensitive Na+ currents (Rossi_2008). No clinical diagnostic laboratories have submitted clinical-significance assessments for this variant to ClinVar after 2014. Based on the evidence outlined above, the variant was classified as pathogenic.

Literature cited by the submitters: PubMed 25210634; PubMed 21525970; PubMed 18398334.

NM_000336.3(SCNN1B):c.1850C>T (p.Pro617Leu)

Gene: SCNN1B (sodium channel epithelial 1 subunit beta; plus strand). Cytogenetic location: 16p12.2.
Variant type: single nucleotide variant.
Coding change: c.1850C>T on transcript NM_000336.3 (MANE Select); coding-DNA position 1850, C replaced by T.
Protein change: p.Pro617Leu; replaces proline 617 with leucine.
Molecular consequence: missense variant.
Genome position (GRCh38, 1-based): chr16:23,380,728, C>T. VCF-style: chr16-23380728-C-T. GRCh37 (hg19) VCF-style: chr16-23392049-C-T.
Other names: c.1742C>T, p.Pro581Leu (NM_001410900.1); short protein forms P581L, P617L.
Identifiers: ClinVar variation 1705177 (VCV001705177.1), dbSNP rs2506514869, ClinGen allele CA395114033.